The following is an entry in ClinVar:

NM_018124.4(RFWD3):c.1429T>C (p.Phe477Leu)

Gene: RFWD3 (ring finger and WD repeat domain 3; minus strand). Cytogenetic location: 16q23.1.
Variant type: single nucleotide variant.
Coding change: c.1429T>C on transcript NM_018124.4 (MANE Select); coding-DNA position 1429, T replaced by C.
Protein change: p.Phe477Leu; replaces phenylalanine 477 with leucine.
Molecular consequence: missense variant.
Genome position (GRCh38, 1-based): chr16:74,632,671, A>G on the plus strand (T>C on the coding strand, the complement: RFWD3 is on the minus strand). VCF-style: chr16-74632671-A-G. GRCh37 (hg19) VCF-style: chr16-74666569-A-G.
Other names: c.1429T>C, p.Phe477Leu (NM_001370534.1, NM_001370535.1, NM_001370536.1); c.595T>C, p.Phe199Leu (NM_001370537.1, NM_001370539.1, NM_001370540.1 and 3 more transcripts); short protein forms F199L, F477L.
Identifiers: ClinVar variation 2756199 (VCV002756199.3), dbSNP rs2543966724, ClinGen allele CA396760818.

ClinVar aggregate classification (germline): Uncertain significance (1 of 4 stars; one submission).

Submission:

Labcorp Genetics (formerly Invitae), Labcorp
Classification: Uncertain significance. Last evaluated: 2023-10-16. Review status: criteria provided, single submitter. Criteria: Invitae Variant Classification Sherloc (09022015). Collection method: clinical testing. Allele origin: germline.
Comment: This sequence change replaces phenylalanine, which is neutral and non-polar, with leucine, which is neutral and non-polar, at codon 477 of the RFWD3 protein (p.Phe477Leu). This variant is not present in population databases (gnomAD no frequency). This variant has not been reported in the literature in individuals affected with RFWD3-related conditions. An algorithm developed to predict the effect of missense changes on protein structure and function (PolyPhen-2) suggests that this variant is likely to be tolerated. In summary, the available evidence is currently insufficient to determine the role of this variant in disease. Therefore, it has been classified as a Variant of Uncertain Significance.